The following is an entry in ClinVar:

NM_006648.4(WNK2):c.4903G>A (p.Val1635Met)

Gene: WNK2 (WNK lysine deficient protein kinase 2; plus strand). Cytogenetic location: 9q22.31.
Variant type: single nucleotide variant.
Coding change: c.4903G>A on transcript NM_006648.4 (MANE Select); coding-DNA position 4903, G replaced by A.
Protein change: p.Val1635Met; replaces valine 1635 with methionine.
Molecular consequence: missense variant.
Genome position (GRCh38, 1-based): chr9:93,290,014, G>A. VCF-style: chr9-93290014-G-A. GRCh37 (hg19) VCF-style: chr9-96052296-G-A.
Other names: c.5014G>A, p.Val1672Met (NM_001282394.3); short protein forms V1635M, V1672M.
Identifiers: ClinVar variation 3470421 (VCV003470421.1).

ClinVar aggregate classification (germline): Uncertain significance (1 of 4 stars; one submission).

gnomAD v4.1: 177 of 1,578,424 alleles (0.011%); highest among the groups gnomAD compares: South Asian, 0.17%; no homozygotes.

Submission:

Ambry Genetics
Classification: Uncertain significance. Last evaluated: 2024-11-25. Review status: criteria provided, single submitter. Criteria: Ambry Variant Classification Scheme 2023. Collection method: clinical testing. Allele origin: germline.
Comment: The p.V1635M variant (also known as c.4903G>A), located in coding exon 20 of the WNK2 gene, results from a G to A substitution at nucleotide position 4903. The valine at codon 1635 is replaced by methionine, an amino acid with highly similar properties. This amino acid position is conserved. In addition, this alteration is predicted to be tolerated by in silico analysis. Based on the available evidence, the clinical significance of this variant remains unclear.